The following is an entry in ClinVar:

ClinVar aggregate classification (germline): Uncertain significance (1 of 4 stars; one submission).

Conditions:
ALG1-congenital disorder of glycosylation. Also called: ALG1-CDG; CONGENITAL DISORDER OF GLYCOSYLATION, TYPE Ik; CDG Ik. Identifiers: Orphanet 79327, MedGen C2931005, MONDO:0012052, OMIM 608540.

Submission:

Labcorp Genetics (formerly Invitae), Labcorp
Classification: Uncertain significance for ALG1-congenital disorder of glycosylation. Last evaluated: 2024-10-15. Review status: criteria provided, single submitter. Criteria: Invitae Variant Classification Sherloc (09022015). Collection method: clinical testing. Allele origin: germline.
Comment: This sequence change replaces cysteine, which is neutral and slightly polar, with serine, which is neutral and polar, at codon 317 of the ALG1 protein (p.Cys317Ser). This variant is not present in population databases (gnomAD no frequency). This variant has not been reported in the literature in individuals affected with ALG1-related conditions. ClinVar contains an entry for this variant (Variation ID: 1482156). Invitae Evidence Modeling of protein sequence and biophysical properties (such as structural, functional, and spatial information, amino acid conservation, physicochemical variation, residue mobility, and thermodynamic stability) indicates that this missense variant is expected to disrupt ALG1 protein function with a positive predictive value of 80%. In summary, the available evidence is currently insufficient to determine the role of this variant in disease. Therefore, it has been classified as a Variant of Uncertain Significance.

NM_019109.5(ALG1):c.950G>C (p.Cys317Ser)

Gene: ALG1 (ALG1 chitobiosyldiphosphodolichol beta-mannosyltransferase; plus strand). Cytogenetic location: 16p13.3.
Variant type: single nucleotide variant.
Coding change: c.950G>C on transcript NM_019109.5 (MANE Select); coding-DNA position 950, G replaced by C.
Protein change: p.Cys317Ser; replaces cysteine 317 with serine.
Molecular consequence: missense variant.
Genome position (GRCh38, 1-based): chr16:5,079,796, G>C. VCF-style: chr16-5079796-G-C. GRCh37 (hg19) VCF-style: chr16-5129797-G-C.
Other names: c.617G>C, p.Cys206Ser (NM_001330504.2); short protein forms C317S, C206S.
Identifiers: ClinVar variation 1482156 (VCV001482156.6), dbSNP rs373396169, ClinGen allele CA394672391.
Genomic context (GRCh38, chr16:5,079,796, plus strand): 5'-TTCTAAACACAGAGTTTGAACAACTGACTCTTGATGGACACAACCTTCCTTCTCTCGTCT[G>C]TGTGATAACAGGTACTGCCTGGGACCCTGGGTGTCTGTTTGGTTGGGGGATGGCGGAGGG-3'
Protein context (NP_061982.3, residues 307-327): LDGHNLPSLV[Cys317Ser]VITGKGPLRE